The following is an entry in ClinVar:

ClinVar aggregate classification (germline): Uncertain significance (1 of 4 stars; one submission).

gnomAD v4.1: 1 of 1,613,728 alleles (0.000062%); highest among the groups gnomAD compares: East Asian, 0.0022%; no homozygotes.

Submission:

Labcorp Genetics (formerly Invitae), Labcorp
Classification: Uncertain significance. Last evaluated: 2025-09-15. Review status: criteria provided, single submitter. Criteria: Invitae Variant Classification Sherloc (09022015). Collection method: clinical testing. Allele origin: germline.
Comment: This sequence change replaces glutamine, which is neutral and polar, with leucine, which is neutral and non-polar, at codon 106 of the CARMIL2 protein (p.Gln106Leu). This variant is present in population databases (no rsID available, gnomAD 0.006%). This variant has not been reported in the literature in individuals affected with CARMIL2-related conditions. Invitae Evidence Modeling of protein sequence and biophysical properties (such as structural, functional, and spatial information, amino acid conservation, physicochemical variation, residue mobility, and thermodynamic stability) indicates that this missense variant is not expected to disrupt CARMIL2 protein function with a negative predictive value of 80%. In summary, the available evidence is currently insufficient to determine the role of this variant in disease. Therefore, it has been classified as a Variant of Uncertain Significance.

NM_001013838.3(CARMIL2):c.317A>T (p.Gln106Leu)

Gene: CARMIL2 (capping protein regulator and myosin 1 linker 2; plus strand). Cytogenetic location: 16q22.1.
Variant type: single nucleotide variant.
Coding change: c.317A>T on transcript NM_001013838.3 (MANE Select); coding-DNA position 317, A replaced by T.
Protein change: p.Gln106Leu; replaces glutamine 106 with leucine.
Molecular consequence: missense variant.
Genome position (GRCh38, 1-based): chr16:67,646,253, A>T. VCF-style: chr16-67646253-A-T. GRCh37 (hg19) VCF-style: chr16-67680156-A-T.
Other names: c.317A>T, p.Gln106Leu (NM_001317026.3, NM_001438244.1, NM_001438835.1); short protein forms Q106L.
Identifiers: ClinVar variation 4701801 (VCV004701801.1).